The following is an entry in ClinVar:

NM_033131.4(WNT3A):c.664C>G (p.Pro222Ala)

Gene: WNT3A (Wnt family member 3A; plus strand). Cytogenetic location: 1q42.13.
Variant type: single nucleotide variant.
Coding change: c.664C>G on transcript NM_033131.4 (MANE Select); coding-DNA position 664, C replaced by G.
Protein change: p.Pro222Ala; replaces proline 222 with alanine.
Molecular consequence: missense variant.
Genome position (GRCh38, 1-based): chr1:228,059,070, C>G. VCF-style: chr1-228059070-C-G. GRCh37 (hg19) VCF-style: chr1-228246771-C-G.
Other names: c.664C>G (NM_033131.3); short protein forms P222A.
Identifiers: ClinVar variation 2792834 (VCV002792834.4), dbSNP rs972949582, ClinGen allele CA39148121.

ClinVar aggregate classification (germline): Uncertain significance. Review status: criteria provided, multiple submitters, no conflicts (2 of 4 stars). 2 submissions from 2 submitters: Uncertain significance (2). Last evaluated 2024-11-10.

gnomAD v4.1: 1 of 1,613,548 alleles (0.000062%); highest among the groups gnomAD compares: Admixed American, 0.0017%; no homozygotes.

Submissions (2):

Ambry Genetics
Classification: Uncertain significance. Last evaluated: 2024-11-10. Review status: criteria provided, single submitter. Criteria: Ambry Variant Classification Scheme 2023. Collection method: clinical testing. Allele origin: germline.

Labcorp Genetics (formerly Invitae), Labcorp
Classification: Uncertain significance. Last evaluated: 2023-03-08. Review status: criteria provided, single submitter. Criteria: Invitae Variant Classification Sherloc (09022015). Collection method: clinical testing. Allele origin: germline.
Comment: Advanced modeling of protein sequence and biophysical properties (such as structural, functional, and spatial information, amino acid conservation, physicochemical variation, residue mobility, and thermodynamic stability) performed at Invitae indicates that this missense variant is not expected to disrupt WNT3A protein function. In summary, the available evidence is currently insufficient to determine the role of this variant in disease. Therefore, it has been classified as a Variant of Uncertain Significance. This sequence change replaces proline, which is neutral and non-polar, with alanine, which is neutral and non-polar, at codon 222 of the WNT3A protein (p.Pro222Ala). This variant is not present in population databases (gnomAD no frequency). This variant has not been reported in the literature in individuals affected with WNT3A-related conditions.